The following is an entry in ClinVar:

NM_152866.3(MS4A1):c.620T>G (p.Val207Gly)

Gene: MS4A1 (membrane spanning 4-domains A1; plus strand). Cytogenetic location: 11q12.2.
Variant type: single nucleotide variant.
Coding change: c.620T>G on transcript NM_152866.3 (MANE Select); coding-DNA position 620, T replaced by G.
Protein change: p.Val207Gly; replaces valine 207 with glycine.
Molecular consequence: missense variant.
Genome position (GRCh38, 1-based): chr11:60,467,005, T>G. VCF-style: chr11-60467005-T-G. GRCh37 (hg19) VCF-style: chr11-60234478-T-G.
Other names: c.620T>G, p.Val207Gly (NM_021950.4, NM_152867.2); short protein forms V207G.
Identifiers: ClinVar variation 2001027 (VCV002001027.4), dbSNP rs2495413989, ClinGen allele CA380600402.

ClinVar aggregate classification (germline): Uncertain significance (1 of 4 stars; one submission).

Submission:

Labcorp Genetics (formerly Invitae), Labcorp
Classification: Uncertain significance. Last evaluated: 2025-09-11. Review status: criteria provided, single submitter. Criteria: Invitae Variant Classification Sherloc (09022015). Collection method: clinical testing. Allele origin: germline.
Comment: This sequence change replaces valine, which is neutral and non-polar, with glycine, which is neutral and non-polar, at codon 207 of the MS4A1 protein (p.Val207Gly). This variant is not present in population databases (gnomAD no frequency). This variant has not been reported in the literature in individuals affected with MS4A1-related conditions. ClinVar contains an entry for this variant (Variation ID: 2001027). An algorithm developed to predict the effect of missense changes on protein structure and function (PolyPhen-2) suggests that this variant is likely to be disruptive. In summary, the available evidence is currently insufficient to determine the role of this variant in disease. Therefore, it has been classified as a Variant of Uncertain Significance.